The following is an entry in ClinVar:

NM_005763.4(AASS):c.193C>T (p.Arg65Trp)

Gene: AASS (aminoadipate-semialdehyde synthase; minus strand). Cytogenetic location: 7q31.32.
Variant type: single nucleotide variant.
Coding change: c.193C>T on transcript NM_005763.4 (MANE Select); coding-DNA position 193, C replaced by T.
Protein change: p.Arg65Trp; replaces arginine 65 with tryptophan.
Molecular consequence: missense variant.
Genome position (GRCh38, 1-based): chr7:122,133,534, G>A on the plus strand (C>T on the coding strand, the complement: AASS is on the minus strand). VCF-style: chr7-122133534-G-A. GRCh37 (hg19) VCF-style: chr7-121773588-G-A.
Other names: short protein forms R65W.
Identifiers: ClinVar variation 1907796 (VCV001907796.5), dbSNP rs780657249, ClinGen allele CA4458715.

ClinVar aggregate classification (germline): Uncertain significance (1 of 4 stars; one submission).

gnomAD v4.1: 31 of 1,613,978 alleles (0.0019%); highest among the groups gnomAD compares: South Asian, 0.0022%; 1 homozygote.

Submission:

Labcorp Genetics (formerly Invitae), Labcorp
Classification: Uncertain significance. Last evaluated: 2022-08-19. Review status: criteria provided, single submitter. Criteria: Invitae Variant Classification Sherloc (09022015). Collection method: clinical testing. Allele origin: germline.
Comment: This sequence change replaces arginine, which is basic and polar, with tryptophan, which is neutral and slightly polar, at codon 65 of the AASS protein (p.Arg65Trp). This variant is present in population databases (rs780657249, gnomAD 0.003%). This variant has not been reported in the literature in individuals affected with AASS-related conditions. Algorithms developed to predict the effect of missense changes on protein structure and function are either unavailable or do not agree on the potential impact of this missense change (SIFT: "Deleterious"; PolyPhen-2: "Probably Damaging"; Align-GVGD: "Class C0"). In summary, the available evidence is currently insufficient to determine the role of this variant in disease. Therefore, it has been classified as a Variant of Uncertain Significance.